The following is an entry in ClinVar:

ClinVar aggregate classification (germline): Uncertain significance. Review status: criteria provided, multiple submitters, no conflicts (2 of 4 stars). 2 submissions from 2 submitters: Uncertain significance (2). Last evaluated 2025-09-01.

Allele frequency attached by ClinVar (database versions not stated): TOPMed 0.00005; gnomAD 0.00006.
gnomAD v4.1: 27 of 1,550,726 alleles (0.0017%); highest among the groups gnomAD compares: African/African-American, 0.019%; no homozygotes.

Submissions (2):

Labcorp Genetics (formerly Invitae), Labcorp
Classification: Uncertain significance. Last evaluated: 2025-09-01. Review status: criteria provided, single submitter. Criteria: Invitae Variant Classification Sherloc (09022015). Collection method: clinical testing. Allele origin: germline.
Comment: This sequence change replaces threonine, which is neutral and polar, with methionine, which is neutral and non-polar, at codon 244 of the PLEKHM2 protein (p.Thr244Met). This variant is present in population databases (no rsID available, gnomAD 0.03%). This variant has not been reported in the literature in individuals affected with PLEKHM2-related conditions. ClinVar contains an entry for this variant (Variation ID: 2143192). An algorithm developed to predict the effect of missense changes on protein structure and function (PolyPhen-2) suggests that this variant is likely to be disruptive. In summary, the available evidence is currently insufficient to determine the role of this variant in disease. Therefore, it has been classified as a Variant of Uncertain Significance.

Ambry Genetics
Classification: Uncertain significance. Last evaluated: 2025-05-05. Review status: criteria provided, single submitter. Criteria: Ambry Variant Classification Scheme 2023. Collection method: clinical testing. Allele origin: germline.

NM_015164.4(PLEKHM2):c.731C>T (p.Thr244Met)

Gene: PLEKHM2 (pleckstrin homology and RUN domain containing M2; plus strand). Cytogenetic location: 1p36.21.
Variant type: single nucleotide variant.
Coding change: c.731C>T on transcript NM_015164.4 (MANE Select); coding-DNA position 731, C replaced by T.
Protein change: p.Thr244Met; replaces threonine 244 with methionine.
Molecular consequence: missense variant.
Genome position (GRCh38, 1-based): chr1:15,725,335, C>T. VCF-style: chr1-15725335-C-T. GRCh37 (hg19) VCF-style: chr1-16051830-C-T.
Other names: c.731C>T (NM_015164.2); c.671C>T, p.Thr224Met (NM_001410755.1); short protein forms T224M, T244M.
Identifiers: ClinVar variation 2143192 (VCV002143192.5), dbSNP rs902177780, ClinGen allele CA18297181.